The following is an entry in ClinVar:

NM_004656.4(BAP1):c.824A>C (p.Lys275Thr)

Gene: BAP1 (BRCA1 associated deubiquitinase 1; minus strand). Cytogenetic location: 3p21.1.
Variant type: single nucleotide variant.
Coding change: c.824A>C on transcript NM_004656.4 (MANE Select); coding-DNA position 824, A replaced by C.
Protein change: p.Lys275Thr; replaces lysine 275 with threonine.
Molecular consequence: missense variant.
Genome position (GRCh38, 1-based): chr3:52,405,872, T>G on the plus strand (A>C on the coding strand, the complement: BAP1 is on the minus strand). VCF-style: chr3-52405872-T-G. GRCh37 (hg19) VCF-style: chr3-52439888-T-G.
Other names: c.770A>C, p.Lys257Thr (NM_001410772.1); short protein forms K257T, K275T.
Identifiers: ClinVar variation 2770420 (VCV002770420.3), dbSNP rs2153227268, ClinGen allele CA353106853.

ClinVar aggregate classification (germline): Uncertain significance (1 of 4 stars; one submission).

Conditions:
BAP1-related tumor predisposition syndrome (TPDS1). Also called: BAP1 tumor predisposition syndrome; Tumor susceptibility linked to germline BAP1 mutations; COMMON Syndrome; TUMOR PREDISPOSITION SYNDROME 1. Identifiers: Orphanet 289539, MedGen C3280492, MONDO:0013692, OMIM 614327.

Submission:

Labcorp Genetics (formerly Invitae), Labcorp
Classification: Uncertain significance for BAP1-related tumor predisposition syndrome. Last evaluated: 2023-10-22. Review status: criteria provided, single submitter. Criteria: Invitae Variant Classification Sherloc (09022015). Collection method: clinical testing. Allele origin: germline.
Comment: This sequence change replaces lysine, which is basic and polar, with threonine, which is neutral and polar, at codon 275 of the BAP1 protein (p.Lys275Thr). This variant is not present in population databases (gnomAD no frequency). This variant has not been reported in the literature in individuals affected with BAP1-related conditions. Advanced modeling of protein sequence and biophysical properties (such as structural, functional, and spatial information, amino acid conservation, physicochemical variation, residue mobility, and thermodynamic stability) performed at Invitae indicates that this missense variant is not expected to disrupt BAP1 protein function. In summary, the available evidence is currently insufficient to determine the role of this variant in disease. Therefore, it has been classified as a Variant of Uncertain Significance.